The following is an entry in ClinVar:

ClinVar aggregate classification (germline): Conflicting classifications of pathogenicity. Review status: criteria provided, conflicting classifications (1 of 4 stars). 2 submissions from 2 submitters: Uncertain significance (1); Likely benign (1). Last evaluated 2023-05-15.

Conditions:
ALAS2-related disorder. Also called: ALAS2-related condition.

Allele frequency attached by ClinVar (database versions not stated): TOPMed below 0.00001; ESP Exome Variant Server 0.00009.

Submissions (2):

Labcorp Genetics (formerly Invitae), Labcorp
Classification: Likely benign. Last evaluated: 2023-05-15. Review status: criteria provided, single submitter. Criteria: Invitae Variant Classification Sherloc (09022015). Collection method: clinical testing. Allele origin: germline.

PreventionGenetics, part of Exact Sciences
Classification: Uncertain significance for ALAS2-related condition. Last evaluated: 2023-04-20. Review status: criteria provided, single submitter. Criteria: ACMG Guidelines, 2015. Collection method: clinical testing. Allele origin: germline.
Comment: The ALAS2 c.1695G>C variant is predicted to result in the amino acid substitution p.Glu565Asp. To our knowledge, this variant has not been reported in patients with ALAS2-related disorder. However, in a functional analysis, this variant was found to result in a small gain of function in enzymatic activity (Tchaikovskii et al. 2019. PubMed ID: 30678654). This variant is reported in 0.0081% of alleles in individuals of African descent in gnomAD. At this time, the clinical significance of the c.1695G>C (p.Glu565Asp) variant is uncertain due to the absence of conclusive functional and genetic evidence.

NM_000032.5(ALAS2):c.1695G>C (p.Glu565Asp)

Gene: ALAS2 (5'-aminolevulinate synthase 2; minus strand). Cytogenetic location: Xp11.21.
Variant type: single nucleotide variant.
Coding change: c.1695G>C on transcript NM_000032.5 (MANE Select); coding-DNA position 1695, G replaced by C.
Protein change: p.Glu565Asp; replaces glutamic acid 565 with aspartic acid.
Molecular consequence: missense variant.
Genome position (GRCh38, 1-based): chrX:55,009,249, C>G on the plus strand (G>C on the coding strand, the complement: ALAS2 is on the minus strand). VCF-style: chrX-55009249-C-G. GRCh37 (hg19) VCF-style: chrX-55035682-C-G.
Other names: c.1584G>C, p.Glu528Asp (NM_001037967.4); c.1656G>C, p.Glu552Asp (NM_001037968.4); short protein forms E528D, E552D, E565D.
Identifiers: ClinVar variation 2634710 (VCV002634710.4), dbSNP rs149747514, ClinGen allele CA328967863.